The following is an entry in ClinVar:

ClinVar aggregate classification (germline): Uncertain significance (1 of 4 stars; one submission).

Conditions:
Peutz-Jeghers syndrome (PJS). Also called: POLYPOSIS, HAMARTOMATOUS INTESTINAL; POLYPS-AND-SPOTS SYNDROME; Peutz-Jeghers polyposis; Periorificial lentiginosis syndrome. Identifiers: Orphanet 2869, MedGen C0031269, MeSH D010580, MONDO:0008280, OMIM 175200.

Allele frequency attached by ClinVar (database versions not stated): gnomAD exomes below 0.00001.

Submission:

Labcorp Genetics (formerly Invitae), Labcorp
Classification: Uncertain significance for Peutz-Jeghers syndrome. Last evaluated: 2021-08-03. Review status: criteria provided, single submitter. Criteria: Invitae Variant Classification Sherloc (09022015). Collection method: clinical testing. Allele origin: germline.
Comment: This variant is not present in population databases (ExAC no frequency). In summary, the available evidence is currently insufficient to determine the role of this variant in disease. Therefore, it has been classified as a Variant of Uncertain Significance. Experimental studies and prediction algorithms are not available or were not evaluated, and the functional significance of this variant is currently unknown. This variant has not been reported in the literature in individuals affected with STK11-related conditions. This variant, c.1057_1074dup, results in the insertion of 6 amino acid(s) to the STK11 protein (p.Leu353_Asp358dup), but otherwise preserves the integrity of the reading frame.

NM_000455.5(STK11):c.1057_1074dup (p.Leu353_Asp358dup)

Genes: STK11 (serine/threonine kinase 11; plus strand), LOC130062899 (ATAC-STARR-seq lymphoblastoid active region 13597; plus strand). Cytogenetic location: 19p13.3.
Variant type: Duplication.
Coding change: c.1057_1074dup on transcript NM_000455.5 (MANE Select); coding-DNA positions 1057 to 1074, 18 bases duplicated (CTCTTCGACATCGAGGAT).
Protein change: p.Leu353_Asp358dup.
Molecular consequence: inframe insertion.
Genome position (GRCh38, 1-based): chr19:1,223,121-1,223,138, CTCTTCGACATCGAGGAT duplicated. VCF-style (leftmost placement, unchanged base first): chr19-1223120-C-CCTCTTCGACATCGAGGAT. GRCh37 (hg19) VCF-style: chr19-1223119-C-CCTCTTCGACATCGAGGAT.
Identifiers: ClinVar variation 1432293 (VCV001432293.8), dbSNP rs2145431264, ClinGen allele CA2573155780.
Genomic context (GRCh38, chr19:1,223,120, plus strand): 5'-GCGCAGCATGACTGTGGTGCCGTACTTGGAGGACCTGCACGGCGCGGACGAGGACGAGGA[C>CCTCTTCGACATCGAGGAT]CTCTTCGACATCGAGGATGACATCATCTACACTCAGGACTTCACGGTGCCCGGTGAGTCT-3'